The following is an entry in ClinVar:

ClinVar aggregate classification (germline): Pathogenic (1 of 4 stars; one submission).

Conditions:
Neurofibromatosis, type 1 (NF1). Also called: VON RECKLINGHAUSEN DISEASE; Peripheral type neurofibromatosis; NEUROFIBROMATOSIS, TYPE I, SOMATIC; Neurofibromatosis, type I. Identifiers: Orphanet 636, MedGen C0027831, MONDO:0018975, OMIM 162200. Disease mechanism: loss of function.

Submission:

Department of Genetics, Sultan Qaboos University Hospital
Classification: Pathogenic for Neurofibromatosis, type 1. Last evaluated: 2026-04-01. Review status: criteria provided, single submitter. Criteria: ACMG Guidelines, 2015. Collection method: clinical testing. Allele origin: germline. Affected: yes. Observed: 1 variant allele.
Comment: PVS1,PM2

NM_001042492.3(NF1):c.2335_2336del (p.Asp779fs)

Gene: NF1 (neurofibromin 1; plus strand). Cytogenetic location: 17q11.2.
Variant type: Deletion.
Coding change: c.2335_2336del on transcript NM_001042492.3 (MANE Select); coding-DNA positions 2335 to 2336, 2 bases deleted (GA; older notation c.2335_2336delGA).
Protein change: p.Asp779fs; shifts the reading frame from aspartic acid 779.
Molecular consequence: frameshift variant.
Genome position (GRCh38, 1-based): chr17:31,227,532-31,227,533, GA deleted; deleting any 2 consecutive bases within chr17:31,227,531-31,227,533 gives the same sequence; the c. name uses the placement nearest the transcript's 3' end. VCF-style (leftmost placement, unchanged base first): chr17-31227530-AAG-A. GRCh37 (hg19) VCF-style: chr17-29554548-AAG-A.
Other names: c.2335_2336del, p.Asp779fs (NM_000267.4); short protein forms D779fs.
Identifiers: ClinVar variation 4823923 (VCV004823923.1).
Genomic context (GRCh38, chr17:31,227,530, plus strand): 5'-GATGTTTAGCTCTAGACTAAGTTGCTTTCAAGTGATAATTGCCTTCATTTTAGGCTTGGG[AAG>A]ATACACATGCAAAATGGGAACAAGCAACAAAGCTAATCCTTAACTATCCAAAAGCCAAAA-3'